The following is an entry in ClinVar:

ClinVar aggregate classification (germline): Pathogenic (1 of 4 stars; one submission).

Allele frequency attached by ClinVar (database versions not stated): ExAC 0.00001; TOPMed 0.00006; gnomAD 0.00006; 1000 Genomes Project 30x 0.00016; 1000 Genomes Project 0.00020.
gnomAD v4.1: 22 of 1,614,090 alleles (0.0014%); highest among the groups gnomAD compares: African/African-American, 0.02%; no homozygotes.

Submission:

GeneDx
Classification: Pathogenic. Last evaluated: 2026-10-02. Review status: criteria provided, single submitter. Criteria: GeneDx Variant Classification Process June 2021. Collection method: clinical testing. Allele origin: germline.
Comment: Nonsense variant predicted to result in protein truncation, as the last 203 amino acid(s) are lost, and other loss-of-function variants have been reported downstream in HGMD; Identified in an individual with atopic dermatitis in published literature (PMID: 38564302); This variant is associated with the following publications: (PMID: 38564302, 16444271)

NM_002016.2(FLG):c.11575C>T (p.Gln3859Ter)

Genes: CCDST (cervical cancer associated DHX9 suppressive transcript; plus strand), FLG (filaggrin; minus strand). Cytogenetic location: 1q21.3.
Variant type: single nucleotide variant.
Coding change: c.11575C>T on transcript NM_002016.2 (MANE Select); coding-DNA position 11575, C replaced by T.
Protein change: p.Gln3859Ter; replaces glutamine 3859 with a stop codon.
Molecular consequence: nonsense.
Genome position (GRCh38, 1-based): chr1:152,303,311, G>A on the plus strand (C>T on the coding strand, the complement: FLG is on the minus strand). VCF-style: chr1-152303311-G-A. GRCh37 (hg19) VCF-style: chr1-152275787-G-A.
Other names: short protein forms Q3859*.
Identifiers: ClinVar variation 620101 (VCV000620101.6), dbSNP rs573388805, ClinGen allele CA1102855.